The following is an entry in ClinVar:

ClinVar aggregate classification (germline): Uncertain significance (1 of 4 stars; one submission).

Conditions:
Werner syndrome (WRN). Identifiers: Orphanet 902, MedGen C0043119, MONDO:0010196, OMIM 277700.

Submission:

Labcorp Genetics (formerly Invitae), Labcorp
Classification: Uncertain significance for Werner syndrome. Last evaluated: 2024-12-20. Review status: criteria provided, single submitter. Criteria: Invitae Variant Classification Sherloc (09022015). Collection method: clinical testing. Allele origin: germline.
Comment: This sequence change replaces glutamine, which is neutral and polar, with arginine, which is basic and polar, at codon 911 of the WRN protein (p.Gln911Arg). This variant is not present in population databases (gnomAD no frequency). This variant has not been reported in the literature in individuals affected with WRN-related conditions. An algorithm developed to predict the effect of missense changes on protein structure and function outputs the following: PolyPhen-2: "Benign". The arginine amino acid residue is found in multiple mammalian species, which suggests that this missense change does not adversely affect protein function. In summary, the available evidence is currently insufficient to determine the role of this variant in disease. Therefore, it has been classified as a Variant of Uncertain Significance.

NM_000553.6(WRN):c.2732A>G (p.Gln911Arg)

Gene: WRN (WRN RecQ like helicase; plus strand). Cytogenetic location: 8p12.
Variant type: single nucleotide variant.
Coding change: c.2732A>G on transcript NM_000553.6 (MANE Select); coding-DNA position 2732, A replaced by G.
Protein change: p.Gln911Arg; replaces glutamine 911 with arginine.
Molecular consequence: missense variant.
Genome position (GRCh38, 1-based): chr8:31,124,623, A>G. VCF-style: chr8-31124623-A-G. GRCh37 (hg19) VCF-style: chr8-30982139-A-G.
Other names: short protein forms Q911R.
Identifiers: ClinVar variation 3676579 (VCV003676579.2).